The following is an entry in ClinVar:

ClinVar aggregate classification (germline): Likely benign (1 of 4 stars; one submission).

gnomAD v4.1: 1 of 1,608,290 alleles (0.000062%); highest among the groups gnomAD compares: Middle Eastern, 0.017%; no homozygotes.

Submission:

CeGaT Center for Human Genetics Tuebingen
Classification: Likely benign. Last evaluated: 2025-12-01. Review status: criteria provided, single submitter. Criteria: CeGaT Center For Human Genetics Tuebingen Variant Classification Criteria Version 2. Collection method: clinical testing. Allele origin: germline. Affected: yes. Observed: 1 variant allele.
Comment: RALGAPA1: BP4, BP7

NM_001346249.2(RALGAPA1):c.4791C>T (p.Leu1597=)

Gene: RALGAPA1 (Ral GTPase activating protein catalytic subunit alpha 1; minus strand). Cytogenetic location: 14q13.2.
Variant type: single nucleotide variant.
Coding change: c.4791C>T on transcript NM_001346249.2 (MANE Select); coding-DNA position 4791, C replaced by T.
Protein change: p.Leu1597=; no amino-acid change (leucine 1597 retained).
Molecular consequence: synonymous variant.
Genome position (GRCh38, 1-based): chr14:35,674,543, G>A on the plus strand (C>T on the coding strand, the complement: RALGAPA1 is on the minus strand). VCF-style: chr14-35674543-G-A. GRCh37 (hg19) VCF-style: chr14-36143749-G-A.
Other names: c.3312C>T, p.Leu1104= (NM_001283043.3); c.3414C>T, p.Leu1138= (NM_001283044.3, NM_001346245.2, NM_001346247.2); c.4650C>T, p.Leu1550= (NM_001330075.3, NM_001346248.2); c.3273C>T, p.Leu1091= (NM_001346243.2, NM_001346246.2, NM_014990.3 and 1 more transcripts).
Identifiers: ClinVar variation 4681715 (VCV004681715.5).